The following is an entry in ClinVar:

NM_018136.5(ASPM):c.10337del (p.Lys3446fs)

Gene: ASPM (assembly factor for spindle microtubules; minus strand). Cytogenetic location: 1q31.3.
Variant type: Deletion.
Coding change: c.10337del on transcript NM_018136.5 (MANE Select); coding-DNA position 10337, one base deleted (A; older notation c.10337delA).
Protein change: p.Lys3446fs; shifts the reading frame from lysine 3446.
Molecular consequence: frameshift variant.
Genome position (GRCh38, 1-based): chr1:197,084,421, T deleted on the plus strand (A on the coding strand, the reverse complement: ASPM is on the minus strand); the first of 2 consecutive T bases (chr1:197,084,421-197,084,422); deleting either gives the same sequence. VCF-style (leftmost placement, unchanged base first): chr1-197084420-CT-C. GRCh37 (hg19) VCF-style: chr1-197053550-CT-C.
Other names: c.5582del, p.Lys1861fs (NM_001206846.2); short protein forms K1861fs, K3446fs.
Identifiers: ClinVar variation 503777 (VCV000503777.2), dbSNP rs1553325275, ClinGen allele CA658795574.

ClinVar aggregate classification (germline): Likely pathogenic (1 of 4 stars; one submission).

Submission:

GeneDx
Classification: Likely pathogenic. Last evaluated: 2017-10-04. Review status: criteria provided, single submitter. Criteria: GeneDx Variant Classification (06012015). Collection method: clinical testing. Allele origin: germline. Affected: yes.
Comment: The c.10337delA variant in the ASPM gene has not been reported previously as a pathogenic variant nor as a benign variant, to our knowledge. It is not observed in large population cohorts (Lek et al., 2016). The c.10337delA variant causes a frameshift starting with codon Lysine 3446, changes this amino acid to a Serine residue, and creates a premature Stop codon at position 6 of the new reading frame, denoted p.Lys3446SerfsX6. This variant is predicted to cause loss of normal protein function through protein truncation as 32 amino acids of the protein are replaced with 5 incorrect amino acids. Therefore, this variant is likely pathogenic; however, the possibility that it is benign cannot becompletely excluded.